The following is an entry in ClinVar:

NM_000350.3(ABCA4):c.673G>A (p.Val225Met)

Gene: ABCA4 (ATP binding cassette subfamily A member 4; minus strand). Cytogenetic location: 1p22.1.
Variant type: single nucleotide variant.
Coding change: c.673G>A on transcript NM_000350.3 (MANE Select); coding-DNA position 673, G replaced by A.
Protein change: p.Val225Met; replaces valine 225 with methionine.
Molecular consequence: missense variant.
Genome position (GRCh38, 1-based): chr1:94,098,889, C>T on the plus strand (G>A on the coding strand, the complement: ABCA4 is on the minus strand). VCF-style: chr1-94098889-C-T. GRCh37 (hg19) VCF-style: chr1-94564445-C-T.
Other names: c.673G>A, p.Val225Met (NM_001425324.1); short protein forms V225M.
Identifiers: ClinVar variation 723662 (VCV000723662.17), dbSNP rs540124349, ClinGen allele CA958771.

ClinVar aggregate classification (germline): Conflicting classifications of pathogenicity. Review status: criteria provided, conflicting classifications (1 of 4 stars). 7 submissions from 7 submitters: Uncertain significance (6); Likely benign (1). Last evaluated 2025-12-11.

Conditions:
Retinal dystrophy. Also called: Inherited retinal dystrophy. Identifiers: Orphanet 71862, MedGen C0854723, MeSH D058499, MONDO:0019118, HP:0000556.
ABCA4-related disorder. Also called: ABCA4-related disorders; ABCA4-related condition. Identifiers: MedGen CN239167.

Allele frequency attached by ClinVar (database versions not stated): ExAC 0.00028; 1000 Genomes Project 30x 0.00031; 1000 Genomes Project 0.00040; gnomAD exomes 0.00005 and 0.00021; gnomAD 0.00008 and 0.00011; TOPMed 0.00013.
gnomAD v4.1: 92 of 1,614,072 alleles (0.0057%); highest among the groups gnomAD compares: East Asian, 0.2%; no homozygotes.

Submissions (7):

Labcorp Genetics (formerly Invitae), Labcorp
Classification: Likely benign. Last evaluated: 2025-12-11. Review status: criteria provided, single submitter. Criteria: Invitae Variant Classification Sherloc (09022015). Collection method: clinical testing. Allele origin: germline.

PreventionGenetics, part of Exact Sciences
Classification: Uncertain significance for ABCA4-related condition. Last evaluated: 2025-10-24. Review status: criteria provided, single submitter. Criteria: ACMG Guidelines, 2015. Collection method: clinical testing. Allele origin: germline.
Comment: The ABCA4 c.673G>A variant is predicted to result in the amino acid substitution p.Val225Met. This variant was reported, along with a second potentially causative variant in ABCA4, in individuals with retinal disease (Zhu et al. 2021. PubMed ID: 33732702; Buhler et al. 2021. PubMed ID: 34073554). However, this variant is reported in 0.28% of alleles in individuals of East Asian descent in gnomAD, which may be too frequent to be a primary cause of disease. At this time, the clinical significance of this variant is uncertain due to the absence of conclusive functional and genetic evidence.

Blueprint Genetics
Classification: Uncertain significance. Last evaluated: 2024-10-28. Review status: criteria provided, single submitter. Criteria: ACMG Guidelines, 2015. Collection method: clinical testing. Allele origin: germline.

Revvity Omics, Revvity
Classification: Uncertain significance. Last evaluated: 2024-03-07. Review status: criteria provided, single submitter. Criteria: ACMG Guidelines, 2015. Collection method: clinical testing. Allele origin: germline.

Dept Of Ophthalmology, Nagoya University
Classification: Uncertain significance for Retinal dystrophy. Last evaluated: 2023-10-01. Review status: criteria provided, single submitter. Criteria: Submitter's publication. Collection method: research. Allele origin: germline. Affected: yes.

GeneDx
Classification: Uncertain significance. Last evaluated: 2022-06-16. Review status: criteria provided, single submitter. Criteria: GeneDx Variant Classification Process June 2021. Collection method: clinical testing. Allele origin: germline. Affected: yes.
Comment: Observed with a second ABCA4 variant in a patient with retinitis pigmentosa in the published literature, although this individual also had variants in another gene that may have contributed to the phenotype (Zhu et al., 2021); In silico analysis supports that this missense variant does not alter protein structure/function; This variant is associated with the following publications: (PMID: 34073554, 33732702, 34405590)

Illumina Laboratory Services, Illumina
Classification: Uncertain significance for ABCA4-Related Disorders. Last evaluated: 2017-04-27. Review status: criteria provided, single submitter. Criteria: ICSL Variant Classification Criteria 13 December 2019. Collection method: clinical testing. Allele origin: germline.